The following is an entry in ClinVar:

NM_005996.4(TBX3):c.1065C>T (p.Ser355=)

Gene: TBX3 (T-box transcription factor 3; minus strand). Cytogenetic location: 12q24.21.
Variant type: single nucleotide variant.
Coding change: c.1065C>T on transcript NM_005996.4 (MANE Select); coding-DNA position 1065, C replaced by T.
Protein change: p.Ser355=; no amino-acid change (serine 355 retained).
Molecular consequence: synonymous variant.
Genome position (GRCh38, 1-based): chr12:114,674,810, G>A on the plus strand (C>T on the coding strand, the complement: TBX3 is on the minus strand). VCF-style: chr12-114674810-G-A. GRCh37 (hg19) VCF-style: chr12-115112615-G-A.
Other names: c.1125C>T, p.Ser375= (NM_016569.4).
Identifiers: ClinVar variation 4988352 (VCV004988352.1).
Genomic context (GRCh38, chr12:114,674,810, plus strand): 5'-GATCTTGGCCGCGTCGCAGGCCTCGGGGCCATGCTCCTCTTTGCTCTCGGCCTCGGCGTC[G>A]CTCTCACCCTCGCTGGGACATAAATCTACCACAGGCGAAGGAAAAAACCAAGGCAGAAGG-3'
Protein context (NP_005987.3, residues 345-365): LKDLCPSEGE[Ser355=]DAEAESKEEH

ClinVar aggregate classification (germline): Likely benign (1 of 4 stars; one submission).

Conditions:
TBX3-related disorder. Also called: TBX3-related condition.

Submission:

PreventionGenetics, part of Exact Sciences
Classification: Likely benign for TBX3-related condition. Last evaluated: 2025-07-30. Review status: criteria provided, single submitter. Criteria: ACMG Guidelines, 2015. Collection method: clinical testing. Allele origin: germline.
Comment: This variant is classified as likely benign based on ACMG/AMP sequence variant interpretation guidelines (Richards et al. 2015 PMID: 25741868, with internal and published modifications).